The following is an entry in ClinVar:

ClinVar aggregate classification (germline): Likely benign. Review status: criteria provided, multiple submitters, no conflicts (2 of 4 stars). 3 submissions from 3 submitters: Likely benign (2). 1 of the submissions does not count toward it. Last evaluated 2025-12-03.

Conditions:
PLPBP-related disorder. Also called: PLPBP-related condition.

Allele frequency attached by ClinVar (database versions not stated): ESP Exome Variant Server 0.00015; 1000 Genomes Project 30x 0.00125; 1000 Genomes Project 0.00160.
gnomAD v4.1: 650 of 1,612,984 alleles (0.04%); highest among the groups gnomAD compares: South Asian, 0.67%; 5 homozygotes.

Submissions (3):

Labcorp Genetics (formerly Invitae), Labcorp
Classification: Likely benign. Last evaluated: 2025-12-03. Review status: criteria provided, single submitter. Criteria: Invitae Variant Classification Sherloc (09022015). Collection method: clinical testing. Allele origin: germline.

CeGaT Center for Human Genetics Tuebingen
Classification: Likely benign. Last evaluated: 2023-04-01. Review status: criteria provided, single submitter. Criteria: CeGaT Center For Human Genetics Tuebingen Variant Classification Criteria Version 2. Collection method: clinical testing. Allele origin: germline. Affected: yes. Observed: 1 variant allele.
Comment: PLPBP: BP4

PreventionGenetics, part of Exact Sciences
Classification: Likely benign for PLPBP-related condition. Last evaluated: 2020-09-16. Review status: no assertion criteria provided. Collection method: clinical testing. Allele origin: germline. Not counted in ClinVar's aggregate classification.
Comment: This variant is classified as likely benign based on ACMG/AMP sequence variant interpretation guidelines (Richards et al. 2015 PMID: 25741868, with internal and published modifications).

NM_007198.4(PLPBP):c.604T>G (p.Leu202Val)

Gene: PLPBP (pyridoxal phosphate binding protein; plus strand). Cytogenetic location: 8p11.23.
Variant type: single nucleotide variant.
Coding change: c.604T>G on transcript NM_007198.4 (MANE Select); coding-DNA position 604, T replaced by G.
Protein change: p.Leu202Val; replaces leucine 202 with valine.
Molecular consequence: missense variant.
Genome position (GRCh38, 1-based): chr8:37,775,924, T>G. VCF-style: chr8-37775924-T-G. GRCh37 (hg19) VCF-style: chr8-37633442-T-G.
Other names: c.634T>G, p.Leu212Val (NM_001349346.2); c.598T>G, p.Leu200Val (NM_001349347.2); c.448T>G, p.Leu150Val (NM_001349348.2); c.604T>G (NM_007198.3); short protein forms L150V, L200V, L202V, L212V.
Identifiers: ClinVar variation 2046577 (VCV002046577.29), dbSNP rs372681891, ClinGen allele CA4711296.